The following is an entry in ClinVar:

ClinVar aggregate classification (germline): Benign/Likely benign. Review status: criteria provided, multiple submitters, no conflicts (2 of 4 stars). 5 submissions from 5 submitters: Benign (1); Likely benign (4). Last evaluated 2026-07-09.

Conditions:
Rhabdoid tumor predisposition syndrome 2 (RTPS2). Identifiers: Orphanet 231108, Orphanet 69077, MedGen C2750074, MONDO:0013224, OMIM 613325.
Hereditary cancer-predisposing syndrome. Also called: Hereditary Cancer Syndrome; Hereditary neoplastic syndrome; Neoplastic Syndromes, Hereditary; Tumor predisposition. Identifiers: Orphanet 140162, MedGen C0027672, MeSH D009386, MONDO:0015356.

Allele frequency attached by ClinVar (database versions not stated): gnomAD 0.00002; ExAC 0.00002; TOPMed 0.00001.
gnomAD v4.1: 32 of 1,613,992 alleles (0.002%); highest among the groups gnomAD compares: Middle Eastern, 0.016%; 1 homozygote.

Submissions (5):

Myriad Genetics, Inc.
Classification: Benign for Rhabdoid tumor predisposition syndrome 2. Last evaluated: 2026-07-09. Review status: criteria provided, single submitter. Criteria: Myriad Autosomal Dominant, Autosomal Recessive and X-Linked Classification Criteria (2023). Collection method: clinical testing. Allele origin: unknown.
Comment: This variant is considered benign. This variant is a silent/synonymous amino acid change and it is not expected to impact splicing.

Labcorp Genetics (formerly Invitae), Labcorp
Classification: Likely benign for Rhabdoid tumor predisposition syndrome 2. Last evaluated: 2026-01-20. Review status: criteria provided, single submitter. Criteria: Invitae Variant Classification Sherloc (09022015). Collection method: clinical testing. Allele origin: germline.

Quest Diagnostics Nichols Institute San Juan Capistrano
Classification: Likely benign. Last evaluated: 2022-09-30. Review status: criteria provided, single submitter. Criteria: Quest Diagnostics criteria. Collection method: clinical testing. Allele origin: unknown.

Sema4
Classification: Likely benign for Hereditary cancer-predisposing syndrome. Last evaluated: 2021-12-25. Review status: criteria provided, single submitter. Criteria: Sema4 Curation Guidelines. Collection method: curation. Allele origin: germline.

Ambry Genetics
Classification: Likely benign for Hereditary cancer-predisposing syndrome. Last evaluated: 2015-09-04. Review status: criteria provided, single submitter. Criteria: Ambry Variant Classification Scheme 2023. Collection method: clinical testing. Allele origin: germline.

NM_003072.5(SMARCA4):c.1167C>T (p.Pro389=)

Gene: SMARCA4 (SWI/SNF related BAF chromatin remodeling complex subunit ATPase 4; plus strand). Cytogenetic location: 19p13.2.
Variant type: single nucleotide variant.
Coding change: c.1167C>T on transcript NM_003072.5 (MANE Select); coding-DNA position 1167, C replaced by T.
Protein change: p.Pro389=; no amino-acid change (proline 389 retained).
Molecular consequence: synonymous variant. On other transcripts: non-coding transcript variant (1).
Genome position (GRCh38, 1-based): chr19:10,989,365, C>T. VCF-style: chr19-10989365-C-T. GRCh37 (hg19) VCF-style: chr19-11100041-C-T.
Other names: c.1167C>T, p.Pro389= (NM_001128844.3, NM_001128845.2, NM_001128846.2 and 5 more transcripts).
Identifiers: ClinVar variation 470233 (VCV000470233.19), dbSNP rs766872743, ClinGen allele CA9203711.